The following is an entry in ClinVar:

NM_000642.3(AGL):c.3925_3927del (p.His1309del)

Gene: AGL (amylo-alpha-1,6-glucosidase and 4-alpha-glucanotransferase; plus strand). Cytogenetic location: 1p21.2.
Variant type: Deletion.
Coding change: c.3925_3927del on transcript NM_000642.3 (MANE Select); coding-DNA positions 3925 to 3927, 3 bases deleted (CAT; older notation c.3925_3927delCAT).
Protein change: p.His1309del; deletes histidine 1309.
Molecular consequence: inframe deletion. On other transcripts: inframe indel (10).
Genome position (GRCh38, 1-based): chr1:99,912,493-99,912,495, CAT deleted; deleting any 3 consecutive bases within chr1:99,912,491-99,912,495 gives the same sequence; the c. name uses the placement nearest the transcript's 3' end. VCF-style (leftmost placement, unchanged base first): chr1-99912490-TATC-T. GRCh37 (hg19) VCF-style: chr1-100378046-TATC-T.
Other names: c.3904_3906delCAT, p.His1302del (NM_001425326.1); c.3724_3726delCAT, p.His1242del (NM_001425327.1); c.3721_3723delCAT, p.His1241del (NM_001425328.1); c.3586_3588delCAT, p.His1196del (NM_001425329.1); c.3547_3549delCAT, p.His1183del (NM_001425332.1); c.3925_3927del (NM_000642.2); c.3925_3927delCAT, p.His1309del (NM_000028.3, NM_000643.3, NM_000644.3 and 1 more transcripts); c.3877_3879delCAT, p.His1293del (NM_000646.3); short protein forms H1309del, H1293del, H1183del, H1196del, H1241del, H1242del, H1302del.
Identifiers: ClinVar variation 2144234 (VCV002144234.5), dbSNP rs2523813121, ClinGen allele CA2580063384.

ClinVar aggregate classification (germline): Uncertain significance. Review status: criteria provided, single submitter (1 of 4 stars). 2 submissions from 2 submitters: Uncertain significance (1). 1 of the submissions does not count toward it. Last evaluated 2023-11-28.

Conditions:
Glycogen storage disease type III (GSD3). Also called: Cori disease; FORBES DISEASE. Identifiers: Orphanet 366, MedGen C0017922, MONDO:0009291, OMIM 232400.

Submissions (2):

Labcorp Genetics (formerly Invitae), Labcorp
Classification: Uncertain significance for Glycogen storage disease type III. Last evaluated: 2023-11-28. Review status: criteria provided, single submitter. Criteria: Invitae Variant Classification Sherloc (09022015). Collection method: clinical testing. Allele origin: germline.
Comment: This variant, c.3925_3927del, results in the deletion of 1 amino acid(s) of the AGL protein (p.His1309del), but otherwise preserves the integrity of the reading frame. This variant is not present in population databases (gnomAD no frequency). This variant has not been reported in the literature in individuals affected with AGL-related conditions. ClinVar contains an entry for this variant (Variation ID: 2144234). Experimental studies and prediction algorithms are not available or were not evaluated, and the functional significance of this variant is currently unknown. In summary, the available evidence is currently insufficient to determine the role of this variant in disease. Therefore, it has been classified as a Variant of Uncertain Significance.

Natera, Inc.
Classification: Uncertain significance for Glycogen storage disease type III. Last evaluated: 2025-04-22. Review status: no assertion criteria provided. Collection method: clinical testing. Allele origin: germline. Not counted in ClinVar's aggregate classification.